The following is an entry in ClinVar:

NM_001220.5(CAMK2B):c.1869G>A (p.Thr623=)

Gene: CAMK2B (calcium/calmodulin dependent protein kinase II beta; minus strand). Cytogenetic location: 7p13.
Variant type: single nucleotide variant.
Coding change: c.1869G>A on transcript NM_001220.5 (MANE Select); coding-DNA position 1869, G replaced by A.
Protein change: p.Thr623=; no amino-acid change (threonine 623 retained).
Molecular consequence: synonymous variant.
Genome position (GRCh38, 1-based): chr7:44,220,194, C>T on the plus strand (G>A on the coding strand, the complement: CAMK2B is on the minus strand). VCF-style: chr7-44220194-C-T. GRCh37 (hg19) VCF-style: chr7-44259793-C-T.
Other names: c.1497G>A, p.Thr499= (NM_001293170.2, NM_172078.3); c.1425G>A, p.Thr475= (NM_172079.3); c.1422G>A, p.Thr474= (NM_172080.3); c.1380G>A, p.Thr460= (NM_172081.3); c.1347G>A, p.Thr449= (NM_172082.3); c.1308G>A, p.Thr436= (NM_172083.3); c.1218G>A, p.Thr406= (NM_172084.3).
Identifiers: ClinVar variation 1599179 (VCV001599179.33), dbSNP rs149916298, ClinGen allele CA4240080.
Genomic context (GRCh38, chr7:44,220,194, plus strand): 5'-CCACACGCGGGTCTCCTCAGACTGGCTGGTGCGGGGCCGGCCCTGCCCGTCAATGTACTG[C>T]GTGAGCCGGATGTAAGCGATGCAGGCGGCATCCTCTCCAATGACGTGCACGTGTGGGTTC-3'
Protein context (NP_001211.3, residues 613-633): DAACIAYIRL[Thr623=]QYIDGQGRPR

ClinVar aggregate classification (germline): Benign/Likely benign. Review status: criteria provided, multiple submitters, no conflicts (2 of 4 stars). 3 submissions from 3 submitters: Benign (1); Likely benign (2). Last evaluated 2026-08-01.

Allele frequency attached by ClinVar (database versions not stated): 1000 Genomes Project 30x 0.00156; 1000 Genomes Project 0.00200; ESP Exome Variant Server 0.00223; gnomAD 0.00228 and 0.00249; TOPMed 0.00271; gnomAD exomes 0.00053; ExAC 0.00064.
gnomAD v4.1: 705 of 1,613,128 alleles (0.044%); highest among the groups gnomAD compares: African/African-American, 0.77%; 5 homozygotes.

Submissions (3):

CeGaT Center for Human Genetics Tuebingen
Classification: Likely benign. Last evaluated: 2026-08-01. Review status: criteria provided, single submitter. Criteria: CeGaT Center For Human Genetics Tuebingen Variant Classification Criteria Version 2. Collection method: clinical testing. Allele origin: germline. Affected: yes. Observed: 3 variant alleles.
Comment: CAMK2B: BP4, BP7, BS1

Labcorp Genetics (formerly Invitae), Labcorp
Classification: Benign. Last evaluated: 2026-01-22. Review status: criteria provided, single submitter. Criteria: Invitae Variant Classification Sherloc (09022015). Collection method: clinical testing. Allele origin: germline.

Blueprint Genetics
Classification: Likely benign. Last evaluated: 2024-10-16. Review status: criteria provided, single submitter. Criteria: ACMG Guidelines, 2015. Collection method: clinical testing. Allele origin: germline.